The following is an entry in ClinVar:

ClinVar aggregate classification (germline): Likely pathogenic (1 of 4 stars; one submission).

Conditions:
FGFR2-related craniosynostosis. Identifiers: MedGen CN231480.

Submission:

Labcorp Genetics (formerly Invitae), Labcorp
Classification: Likely pathogenic for FGFR2-related craniosynostosis. Last evaluated: 2024-11-25. Review status: criteria provided, single submitter. Criteria: Invitae Variant Classification Sherloc (09022015). Collection method: clinical testing. Allele origin: germline.
Comment: This sequence change replaces tryptophan, which is neutral and slightly polar, with leucine, which is neutral and non-polar, at codon 290 of the FGFR2 protein (p.Trp290Leu). This variant is not present in population databases (gnomAD no frequency). This missense change has been observed in individual(s) with clinical features of Crouzon syndrome (PMID: 29095814, 32595695; internal data). ClinVar contains an entry for this variant (Variation ID: 1358710). Invitae Evidence Modeling of protein sequence and biophysical properties (such as structural, functional, and spatial information, amino acid conservation, physicochemical variation, residue mobility, and thermodynamic stability) indicates that this missense variant is expected to disrupt FGFR2 protein function with a positive predictive value of 80%. This variant disrupts the p.Trp290 amino acid residue in FGFR2. Other variant(s) that disrupt this residue have been determined to be pathogenic (PMID: 9475591, 18618990, 24036790, 27683237). This suggests that this residue is clinically significant, and that variants that disrupt this residue are likely to be disease-causing. In summary, the currently available evidence indicates that the variant is pathogenic, but additional data are needed to prove that conclusively. Therefore, this variant has been classified as Likely Pathogenic.

Literature cited by the submitters: PubMed 29095814; PubMed 32595695; PubMed 9475591; PubMed 18618990; PubMed 24036790; PubMed 27683237.

NM_000141.5(FGFR2):c.869G>T (p.Trp290Leu)

Gene: FGFR2 (fibroblast growth factor receptor 2; minus strand). Cytogenetic location: 10q26.13.
Variant type: single nucleotide variant.
Coding change: c.869G>T on transcript NM_000141.5 (MANE Select); coding-DNA position 869, G replaced by T.
Protein change: p.Trp290Leu; replaces tryptophan 290 with leucine.
Molecular consequence: missense variant. On other transcripts: non-coding transcript variant (1), intron variant (1).
Genome position (GRCh38, 1-based): chr10:121,520,049, C>A on the plus strand (G>T on the coding strand, the complement: FGFR2 is on the minus strand). VCF-style: chr10-121520049-C-A. GRCh37 (hg19) VCF-style: chr10-123279563-C-A.
Other names: c.869G>T, p.Trp290Leu (NM_001144913.1, NM_001144917.2, NM_001320658.2 and 1 more transcripts); c.602G>T, p.Trp201Leu (NM_001144915.2, NM_001144919.2, NM_023029.3); c.524G>T, p.Trp175Leu (NM_001144916.2, NM_001144918.2); c.185G>T, p.Trp62Leu (NM_001320654.2); c.749-4730G>T (NM_001144914.1); short protein forms W290L, W201L, W62L, W175L.
Identifiers: ClinVar variation 1358710 (VCV001358710.8), dbSNP rs1057519039, ClinGen allele CA378330665.